The following is an entry in ClinVar:

ClinVar aggregate classification (germline): Uncertain significance. Review status: criteria provided, multiple submitters, no conflicts (2 of 4 stars). 2 submissions from 2 submitters: Uncertain significance (2). Last evaluated 2025-04-24.

Conditions:
Severe combined immunodeficiency due to IKK2 deficiency. Also called: Immunodeficiency 15; IMMUNODEFICIENCY 15B. Identifiers: Orphanet 397787, MedGen C4747743, MONDO:0014267, OMIM 615592.

Allele frequency attached by ClinVar (database versions not stated): ExAC 0.00006; gnomAD 0.00008 and 0.00009; TOPMed 0.00008; gnomAD exomes 0.00010 and 0.00012; 1000 Genomes Project 30x 0.00016; 1000 Genomes Project 0.00020.
gnomAD v4.1: 185 of 1,600,516 alleles (0.012%); highest among the groups gnomAD compares: South Asian, 0.023%; no homozygotes.

Submissions (2):

Labcorp Genetics (formerly Invitae), Labcorp
Classification: Uncertain significance for Severe combined immunodeficiency due to IKK2 deficiency. Last evaluated: 2025-04-24. Review status: criteria provided, single submitter. Criteria: Invitae Variant Classification Sherloc (09022015). Collection method: clinical testing. Allele origin: germline.
Comment: This sequence change replaces asparagine, which is neutral and polar, with serine, which is neutral and polar, at codon 263 of the IKBKB protein (p.Asn263Ser). This variant is present in population databases (rs201211235, gnomAD 0.03%). This variant has not been reported in the literature in individuals affected with IKBKB-related conditions. ClinVar contains an entry for this variant (Variation ID: 1396721). Invitae Evidence Modeling of protein sequence and biophysical properties (such as structural, functional, and spatial information, amino acid conservation, physicochemical variation, residue mobility, and thermodynamic stability) indicates that this missense variant is not expected to disrupt IKBKB protein function with a negative predictive value of 95%. In summary, the available evidence is currently insufficient to determine the role of this variant in disease. Therefore, it has been classified as a Variant of Uncertain Significance.

GeneDx
Classification: Uncertain significance. Last evaluated: 2022-10-23. Review status: criteria provided, single submitter. Criteria: GeneDx Variant Classification Process June 2021. Collection method: clinical testing. Allele origin: germline. Affected: yes.
Comment: In silico analysis supports that this missense variant has a deleterious effect on protein structure/function; Has not been previously published as pathogenic or benign to our knowledge

NM_001556.3(IKBKB):c.788A>G (p.Asn263Ser)

Gene: IKBKB (inhibitor of nuclear factor kappa B kinase subunit beta; plus strand). Cytogenetic location: 8p11.21.
Variant type: single nucleotide variant.
Coding change: c.788A>G on transcript NM_001556.3 (MANE Select); coding-DNA position 788, A replaced by G.
Protein change: p.Asn263Ser; replaces asparagine 263 with serine.
Molecular consequence: missense variant. On other transcripts: non-coding transcript variant (3).
Genome position (GRCh38, 1-based): chr8:42,314,417, A>G. VCF-style: chr8-42314417-A-G. GRCh37 (hg19) VCF-style: chr8-42171935-A-G.
Other names: c.788A>G (NM_001556.2); c.596A>G, p.Asn199Ser (NM_001190720.3); c.611A>G, p.Asn204Ser (NM_001242778.2); short protein forms N204S, N199S, N263S.
Identifiers: ClinVar variation 1396721 (VCV001396721.8), dbSNP rs201211235, ClinGen allele CA4731797.